The following is an entry in ClinVar:

ClinVar aggregate classification (germline): Benign. Review status: criteria provided, multiple submitters, no conflicts (2 of 4 stars). 3 submissions from 3 submitters: Benign (2). 1 of the submissions does not count toward it. Last evaluated 2014-01-09.

Allele frequency attached by ClinVar (database versions not stated): gnomAD exomes 0.06237 and 0.06959; ExAC 0.06345; 1000 Genomes Project 0.06550; 1000 Genomes Project 30x 0.06699; TOPMed 0.07500; gnomAD 0.07714 and 0.07888; ESP Exome Variant Server 0.08089.
gnomAD v4.1: 113,319 of 1,612,356 alleles (7%); highest among the groups gnomAD compares: African/African-American, 10%; 4,134 homozygotes.

Submissions (3):

GeneDx
Classification: Benign. Last evaluated: 2014-01-09. Review status: criteria provided, single submitter. Criteria: GeneDx Variant Classification (06012015). Collection method: clinical testing. Allele origin: germline. Affected: yes.
Comment: This variant is considered likely benign or benign based on one or more of the following criteria: it is a conservative change, it occurs at a poorly conserved position in the protein, it is predicted to be benign by multiple in silico algorithms, and/or has population frequency not consistent with disease.

Breakthrough Genomics
Classification: Benign. Review status: criteria provided, single submitter. Criteria: ACMG Guidelines, 2015. Collection method: not provided. Allele origin: germline. Inheritance: Unknown mechanism. Affected: yes.

Mayo Clinic Laboratories, Mayo Clinic
Classification: Benign. Last evaluated: 2016-02-23. Review status: no assertion criteria provided. Collection method: clinical testing. Allele origin: unknown. Not counted in ClinVar's aggregate classification.

NM_006351.4(TIMM44):c.1305C>T (p.Tyr435=)

Gene: TIMM44 (translocase of inner mitochondrial membrane 44; minus strand). Cytogenetic location: 19p13.2.
Variant type: single nucleotide variant.
Coding change: c.1305C>T on transcript NM_006351.4 (MANE Select); coding-DNA position 1305, C replaced by T.
Protein change: p.Tyr435=; no amino-acid change (tyrosine 435 retained).
Molecular consequence: synonymous variant.
Genome position (GRCh38, 1-based): chr19:7,927,241, G>A on the plus strand (C>T on the coding strand, the complement: TIMM44 is on the minus strand). VCF-style: chr19-7927241-G-A. GRCh37 (hg19) VCF-style: chr19-7992126-G-A.
Other names: p.Y435Y:TAC>TAT.
Identifiers: ClinVar variation 137649 (VCV000137649.6), dbSNP rs11542188, ClinGen allele CA291297.